The following is an entry in ClinVar:

NM_138694.4(PKHD1):c.7171C>G (p.Leu2391Val)

Gene: PKHD1 (PKHD1 ciliary IPT domain containing fibrocystin/polyductin; minus strand). Cytogenetic location: 6p12.2.
Variant type: single nucleotide variant.
Coding change: c.7171C>G on transcript NM_138694.4 (MANE Select); coding-DNA position 7171, C replaced by G.
Protein change: p.Leu2391Val; replaces leucine 2391 with valine.
Molecular consequence: missense variant.
Genome position (GRCh38, 1-based): chr6:51,885,911, G>C on the plus strand (C>G on the coding strand, the complement: PKHD1 is on the minus strand). VCF-style: chr6-51885911-G-C. GRCh37 (hg19) VCF-style: chr6-51750709-G-C.
Other names: c.7171C>G, p.Leu2391Val (NM_170724.3); short protein forms L2391V.
Identifiers: ClinVar variation 2160952 (VCV002160952.1), dbSNP rs767554968, ClinGen allele CA138899596.
Genomic context (GRCh38, chr6:51,885,911, plus strand): 5'-CAACAAAAAAGCTTACCTGGGCACCACCTGCACTTTCCCAAACTGTGAAGCTCTGGAACA[G>C]AGTGGTGCCAGTGACATTATCCCAAGGTGGCTGAAATTTAGGGTATACAAAGAGACCATA-3'
Protein context (NP_619639.3, residues 2381-2401): PPWDNVTGTT[Leu2391Val]FQSFTVWESA

ClinVar aggregate classification (germline): Uncertain significance (1 of 4 stars; one submission).

Conditions:
Autosomal recessive polycystic kidney disease (ARPKD). Also called: AR polycystic kidney disease. Identifiers: Orphanet 731, Orphanet 8378, MedGen C0085548, MeSH D017044, MONDO:0009889.

Allele frequency attached by ClinVar (database versions not stated): TOPMed below 0.00001; gnomAD 0.00001.
gnomAD v4.1: 4 of 1,613,340 alleles (0.00025%); highest among the groups gnomAD compares: Admixed American, 0.005%; no homozygotes.

Submission:

Labcorp Genetics (formerly Invitae), Labcorp
Classification: Uncertain significance for Autosomal recessive polycystic kidney disease. Last evaluated: 2022-08-31. Review status: criteria provided, single submitter. Criteria: Invitae Variant Classification Sherloc (09022015). Collection method: clinical testing. Allele origin: germline.
Comment: This sequence change replaces leucine, which is neutral and non-polar, with valine, which is neutral and non-polar, at codon 2391 of the PKHD1 protein (p.Leu2391Val). This variant is present in population databases (no rsID available, gnomAD 0.006%). This variant has not been reported in the literature in individuals affected with PKHD1-related conditions. Advanced modeling of protein sequence and biophysical properties (such as structural, functional, and spatial information, amino acid conservation, physicochemical variation, residue mobility, and thermodynamic stability) performed at Invitae indicates that this missense variant is not expected to disrupt PKHD1 protein function. In summary, the available evidence is currently insufficient to determine the role of this variant in disease. Therefore, it has been classified as a Variant of Uncertain Significance.